The following is an entry in ClinVar:

ClinVar aggregate classification (germline): Uncertain significance (1 of 4 stars; one submission).

Conditions:
Long QT syndrome (LQTS). Identifiers: MedGen C0023976, MeSH D008133, MONDO:0002442. Disease mechanism: loss of function. Inheritance: Various modes of inheritance.

gnomAD v4.1: 2 of 1,593,770 alleles (0.00013%); highest among the groups gnomAD compares: South Asian, 0.0011%; no homozygotes.

Submission:

Labcorp Genetics (formerly Invitae), Labcorp
Classification: Uncertain significance for Long QT syndrome. Last evaluated: 2025-12-14. Review status: criteria provided, single submitter. Criteria: Invitae Variant Classification Sherloc (09022015). Collection method: clinical testing. Allele origin: germline.
Comment: This sequence change replaces arginine, which is basic and polar, with tryptophan, which is neutral and slightly polar, at codon 60 of the CACNA1C protein (p.Arg60Trp). This variant is not present in population databases (gnomAD no frequency). This variant has not been reported in the literature in individuals affected with CACNA1C-related conditions. Invitae Evidence Modeling of protein sequence and biophysical properties (such as structural, functional, and spatial information, amino acid conservation, physicochemical variation, residue mobility, and thermodynamic stability) indicates that this missense variant is not expected to disrupt CACNA1C protein function with a negative predictive value of 95%. In summary, the available evidence is currently insufficient to determine the role of this variant in disease. Therefore, it has been classified as a Variant of Uncertain Significance.

NM_000719.7(CACNA1C):c.178C>T (p.Arg60Trp)

Gene: CACNA1C (calcium voltage-gated channel subunit alpha1 C; plus strand). Cytogenetic location: 12p13.33.
Variant type: single nucleotide variant.
Coding change: c.178C>T on transcript NM_000719.7 (MANE Select); coding-DNA position 178, C replaced by T.
Protein change: p.Arg60Trp; replaces arginine 60 with tryptophan.
Molecular consequence: missense variant.
Genome position (GRCh38, 1-based): chr12:2,115,352, C>T. VCF-style: chr12-2115352-C-T. GRCh37 (hg19) VCF-style: chr12-2224518-C-T.
Other names: c.178C>T, p.Arg60Trp (NM_001129827.2, NM_001129829.2, NM_001129830.3 and 19 more transcripts); short protein forms R60W.
Identifiers: ClinVar variation 666373 (VCV000666373.1).